The following is an entry in ClinVar:

ClinVar aggregate classification (germline): Likely benign (1 of 4 stars; one submission).

Allele frequency attached by ClinVar (database versions not stated): gnomAD exomes 0.00001; gnomAD 0.00002.
gnomAD v4.1: 17 of 1,156,319 alleles (0.0015%); highest among the groups gnomAD compares: Non-Finnish European, 0.0013%; no homozygotes.

Submission:

CeGaT Center for Human Genetics Tuebingen
Classification: Likely benign. Last evaluated: 2026-03-01. Review status: criteria provided, single submitter. Criteria: CeGaT Center For Human Genetics Tuebingen Variant Classification Criteria Version 2. Collection method: clinical testing. Allele origin: germline. Affected: yes. Observed: 2 variant alleles.
Comment: RBMXL3: BP4, BP7, BS2

NM_001145346.2(RBMXL3):c.1449T>C (p.Ser483=)

Genes: LRCH2 (leucine rich repeats and calponin homology domain containing 2; minus strand), RBMXL3 (RBMX like 3; plus strand). Cytogenetic location: Xq23.
Variant type: single nucleotide variant.
Coding change: c.1449T>C on transcript NM_001145346.2 (MANE Select); coding-DNA position 1449, T replaced by C.
Protein change: p.Ser483=; no amino-acid change (serine 483 retained).
Molecular consequence: synonymous variant. On other transcripts: intron variant (2).
Genome position (GRCh38, 1-based): chrX:115,190,890, T>C. VCF-style: chrX-115190890-T-C. GRCh37 (hg19) VCF-style: chrX-114425453-T-C.
Other names: c.350-2520A>G (NM_001243963.2, NM_020871.4).
Identifiers: ClinVar variation 2661234 (VCV002661234.24), dbSNP rs1473860015, ClinGen allele CA518442588.